The following is an entry in ClinVar:

NM_001242896.3(DEPDC5):c.869C>T (p.Ala290Val)

Gene: DEPDC5 (DEP domain containing 5, GATOR1 subcomplex subunit; plus strand). Cytogenetic location: 22q12.2.
Variant type: single nucleotide variant.
Coding change: c.869C>T on transcript NM_001242896.3 (MANE Select); coding-DNA position 869, C replaced by T.
Protein change: p.Ala290Val; replaces alanine 290 with valine.
Molecular consequence: missense variant. On other transcripts: non-coding transcript variant (4).
Genome position (GRCh38, 1-based): chr22:31,797,701, C>T. VCF-style: chr22-31797701-C-T. GRCh37 (hg19) VCF-style: chr22-32193687-C-T.
Other names: c.869C>T, p.Ala290Val (NM_001007188.4, NM_001136029.4, NM_001242897.2 and 7 more transcripts); c.785C>T, p.Ala262Val (NM_001369901.1, NM_001369902.1); short protein forms A262V, A290V.
Identifiers: ClinVar variation 1058989 (VCV001058989.9), dbSNP rs2148575481, ClinGen allele CA411290745.
Genomic context (GRCh38, chr22:31,797,701, plus strand): 5'-TTCTCGTAACCATTAAAAAACTCTTCATCCAGTATCCAGTGTTGGTGCGACTGGAACAGG[C>T]AGGTACTGCATTCATGTAATAGATGGTGCGGCGGGGAAAGGAAGTGTAGGAGGGGTCTGG-3'
Protein context (NP_001229825.1, residues 280-300): QYPVLVRLEQ[Ala290Val]EGFPQGDNST

ClinVar aggregate classification (germline): Uncertain significance (1 of 4 stars; one submission).

Conditions:
Familial focal epilepsy with variable foci (FPEVF). Identifiers: Orphanet 98820, MedGen C1858477, MONDO:0020310.

Submission:

Labcorp Genetics (formerly Invitae), Labcorp
Classification: Uncertain significance for Familial focal epilepsy with variable foci. Last evaluated: 2021-04-29. Review status: criteria provided, single submitter. Criteria: Invitae Variant Classification Sherloc (09022015). Collection method: clinical testing. Allele origin: germline.
Comment: In summary, the available evidence is currently insufficient to determine the role of this variant in disease. Therefore, it has been classified as a Variant of Uncertain Significance. Algorithms developed to predict the effect of sequence changes on RNA splicing suggest that this variant may create or strengthen a splice site, but this prediction has not been confirmed by published transcriptional studies. Algorithms developed to predict the effect of missense changes on protein structure and function are either unavailable or do not agree on the potential impact of this missense change (SIFT: "Tolerated"; PolyPhen-2: "Not Available"; Align-GVGD: "Class C0"). This variant has been observed in individual(s) with clinical features of DEPDC5-related conditions (Invitae). This variant is not present in population databases (ExAC no frequency). This sequence change replaces alanine with valine at codon 290 of the DEPDC5 protein (p.Ala290Val). The alanine residue is highly conserved and there is a small physicochemical difference between alanine and valine.